The following is an entry in ClinVar:

ClinVar aggregate classification (germline): Uncertain significance (1 of 4 stars; one submission).

Conditions:
ARID1B-Related Disorder. Identifiers: MedGen CN381337.

gnomAD v4.1: 1 of 1,614,104 alleles (0.000062%); highest among the groups gnomAD compares: Non-Finnish European, 0.000085%; no homozygotes.

Submission:

PreventionGenetics, part of Exact Sciences
Classification: Uncertain significance for ARID1B-related condition. Last evaluated: 2026-04-29. Review status: criteria provided, single submitter. Criteria: ACMG Guidelines, 2015. Collection method: clinical testing. Allele origin: germline.
Comment: The ARID1B c.1870C>T variant is predicted to result in the amino acid substitution p.Pro624Ser. This variant has not been reported in the literature or in a large population database (gnomAD), indicating this variant is rare. At this time, the clinical significance of this variant is uncertain due to the absence of conclusive functional and genetic evidence.

NM_001374828.1(ARID1B):c.2080C>T (p.Pro694Ser)

Gene: ARID1B (AT-rich interaction domain 1B; plus strand). Cytogenetic location: 6q25.3.
Variant type: single nucleotide variant.
Coding change: c.2080C>T on transcript NM_001374828.1 (MANE Select); coding-DNA position 2080, C replaced by T.
Protein change: p.Pro694Ser; replaces proline 694 with serine.
Molecular consequence: missense variant.
Genome position (GRCh38, 1-based): chr6:156,901,469, C>T. VCF-style: chr6-156901469-C-T. GRCh37 (hg19) VCF-style: chr6-157222603-C-T.
Other names: c.2119C>T, p.Pro707Ser (NM_001371656.1, NM_001374820.1); c.2080C>T, p.Pro694Ser (NM_001438482.1, NM_001438483.1, NM_001438485.1 and 7 more transcripts); c.1870C>T (NM_020732.3); short protein forms P707S, P694S.
Identifiers: ClinVar variation 4996330 (VCV004996330.1).
Genomic context (GRCh38, chr6:156,901,469, plus strand): 5'-GGTTACTGCCAGCAGGGCCAACAGCCATATTACAGCCAGCAGCCGCAGCCCCCGCACCTC[C>T]CACCCCAGGCGCAGTATCTGCCGTCCCAGTCCCAGCAGAGGTACCAGCCGCAGCAGGTGA-3'
Protein context (NP_001361757.1, residues 684-704): YSQQPQPPHL[Pro694Ser]PQAQYLPSQS